The following is an entry in ClinVar:

ClinVar aggregate classification (germline): Benign/Likely benign. Review status: criteria provided, multiple submitters, no conflicts (2 of 4 stars). 3 submissions from 3 submitters: Benign (1); Likely benign (2). Last evaluated 2021-10-20.

Allele frequency attached by ClinVar (database versions not stated): ExAC 0.00318; gnomAD exomes 0.00236; 1000 Genomes Project 0.00819; 1000 Genomes Project 30x 0.00859; TOPMed 0.01047; ESP Exome Variant Server 0.01130.
gnomAD v4.1: 2,967 of 1,606,252 alleles (0.18%); highest among the groups gnomAD compares: African/African-American, 3.2%; 49 homozygotes.

Submissions (3):

Mayo Clinic Laboratories, Mayo Clinic
Classification: Benign. Last evaluated: 2021-10-20. Review status: criteria provided, single submitter. Criteria: ACMG Guidelines, 2015. Collection method: clinical testing. Allele origin: germline. Observed: 10 variant alleles.
Comment: BA1, BP4

GeneDx
Classification: Likely benign. Last evaluated: 2019-12-18. Review status: criteria provided, single submitter. Criteria: GeneDx Variant Classification Process June 2021. Collection method: clinical testing. Allele origin: germline. Affected: yes.

Breakthrough Genomics
Classification: Likely benign. Review status: criteria provided, single submitter. Criteria: ACMG Guidelines, 2015. Collection method: not provided. Allele origin: germline. Inheritance: Autosomal recessive inheritance. Affected: yes.

NM_015294.6(TRIM37):c.1667+21C>T

Gene: TRIM37 (tripartite motif containing 37; minus strand). Cytogenetic location: 17q22.
Variant type: single nucleotide variant.
Coding change: c.1667+21C>T on transcript NM_015294.6 (MANE Select); 21 bases into the intron after coding-DNA position 1667, C replaced by T.
Molecular consequence: intron variant.
Genome position (GRCh38, 1-based): chr17:59,047,662, G>A on the plus strand (C>T on the coding strand, the complement: TRIM37 is on the minus strand). VCF-style: chr17-59047662-G-A. GRCh37 (hg19) VCF-style: chr17-57125023-G-A.
Other names: p.?; c.1667+21C>T (NM_001320989.3, NM_001005207.5, NM_001320988.3 and 1 more transcripts); c.1205+21C>T (NM_001353085.2); c.1565+21C>T (NM_001320987.3, NM_001353082.2); c.1616+21C>T (NM_001353086.2); c.932+21C>T (NM_001353083.2); c.1301+21C>T (NM_001320990.3).
Identifiers: ClinVar variation 1187734 (VCV001187734.4), dbSNP rs73319213, ClinGen allele CA8678252.